The following is an entry in ClinVar:

ClinVar aggregate classification (germline): Likely pathogenic (1 of 4 stars; one submission).

Conditions:
Autosomal recessive spinocerebellar ataxia 20. Identifiers: Orphanet 397709, MedGen C5190595, MONDO:0014601, OMIM 616354.

Submission:

Genetics Laboratory, UDIAT-Centre Diagnòstic, Hospital Universitari Parc Tauli
Classification: Likely pathogenic for autosomal recessive spinocerebellar ataxia 20. Last evaluated: 2023-12-15. Review status: criteria provided, single submitter. Criteria: ACMG Guidelines, 2015. Collection method: clinical testing. Allele origin: unknown. Inheritance: Autosomal recessive inheritance. Affected: yes.
Comment: PVS1_very strong;PM2_supporting

NM_153816.6(SNX14):c.1883del (p.Thr628fs)

Gene: SNX14 (sorting nexin 14; minus strand). Cytogenetic location: 6q14.3.
Variant type: Deletion.
Coding change: c.1883del on transcript NM_153816.6 (MANE Select); coding-DNA position 1883, one base deleted (C; older notation c.1883delC).
Protein change: p.Thr628fs; shifts the reading frame from threonine 628.
Molecular consequence: frameshift variant. On other transcripts: non-coding transcript variant (6).
Genome position (GRCh38, 1-based): chr6:85,530,203, G deleted on the plus strand (C on the coding strand, the reverse complement: SNX14 is on the minus strand). VCF-style (leftmost placement, unchanged base first): chr6-85530202-TG-T. GRCh37 (hg19) VCF-style: chr6-86239920-TG-T.
Other names: c.1856del, p.Thr619fs (NM_001297614.3, NM_001350541.2); c.1727del, p.Thr576fs (NM_001304479.2); c.1946del, p.Thr649fs (NM_001350532.2); c.1880del, p.Thr627fs (NM_001350533.2, NM_001350535.2); c.1853del, p.Thr618fs (NM_001350534.2); c.1751del, p.Thr584fs (NM_001350536.2); c.1748del, p.Thr583fs (NM_001350537.2); c.1739del, p.Thr580fs (NM_001350538.2); and 9 more; short protein forms T234fs, T243fs, T278fs, T480fs, T528fs, T531fs, T532fs, T575fs.
Identifiers: ClinVar variation 3897618 (VCV003897618.1).
Genomic context (GRCh38, chr6:85,530,202, plus strand): 5'-AAGAATGCTAATGCTGAAATGTAATGTTTTATCCAAAAAGAATAACATACCATGAAATTC[TG>T]TTAGTTTTGATTCAAGTACATAGAATTCAAGATATCTTCTATAGACAGACCAATGTTCAG-3'